The following is an entry in ClinVar:

ClinVar aggregate classification (germline): Uncertain significance (1 of 4 stars; one submission).

Conditions:
Arrhythmogenic right ventricular dysplasia 5. Also called: Arrhythmogenic Right Ventricular Dysplasia/Cardiomyopathy 5; ARRHYTHMOGENIC RIGHT VENTRICULAR DYSPLASIA, FAMILIAL, 5. Identifiers: MedGen C1858379, MONDO:0011459, OMIM 604400.

Submission:

All of Us Research Program, National Institutes of Health
Classification: Uncertain significance for Arrhythmogenic right ventricular dysplasia 5. Last evaluated: 2023-09-17. Review status: criteria provided, single submitter. Criteria: ACMG Guidelines, 2015. Collection method: clinical testing. Allele origin: germline. Inheritance: Autosomal dominant inheritance. Observed: 1 variant allele, 1 heterozygote.
Comment: This missense variant replaces serine with arginine at codon 207 of the TMEM43 protein. Computational prediction suggests that this variant may not impact protein structure and function (internally defined REVEL score threshold <= 0.5, PMID: 27666373). To our knowledge, functional studies have not been reported for this variant. This variant has not been reported in individuals affected with TMEM43-related disorders in the literature. This variant has not been identified in the general population by the Genome Aggregation Database (gnomAD). The available evidence is insufficient to determine the role of this variant in disease conclusively. Therefore, this variant is classified as a Variant of Uncertain Significance.

This study involves interpretation of variants in research participants for the purpose of population health screening. Participant phenotype was not available at the time of variant classification. Additional details can be found in publication PMID: 35346344, PMCID: PMC8962531

NM_024334.3(TMEM43):c.621C>G (p.Ser207Arg)

Gene: TMEM43 (transmembrane protein 43; plus strand). Cytogenetic location: 3p25.1.
Variant type: single nucleotide variant.
Coding change: c.621C>G on transcript NM_024334.3 (MANE Select); coding-DNA position 621, C replaced by G.
Protein change: p.Ser207Arg; replaces serine 207 with arginine.
Molecular consequence: missense variant.
Genome position (GRCh38, 1-based): chr3:14,134,807, C>G. VCF-style: chr3-14134807-C-G. GRCh37 (hg19) VCF-style: chr3-14176307-C-G.
Other names: c.624C>G, p.Ser208Arg (NM_001407274.1); c.621C>G, p.Ser207Arg (NM_001407275.1, NM_001407276.1, NM_001407277.1 and 1 more transcripts); c.606C>G, p.Ser202Arg (NM_001407278.1); c.471C>G, p.Ser157Arg (NM_001407280.1); short protein forms S157R, S202R, S207R, S208R.
Identifiers: ClinVar variation 3073455 (VCV003073455.1), dbSNP rs2470187859, ClinGen allele CA351535507.